The following is an entry in ClinVar:

NM_206933.4(USH2A):c.4707T>G (p.Tyr1569Ter)

Gene: USH2A (usherin; minus strand). Cytogenetic location: 1q41.
Variant type: single nucleotide variant.
Coding change: c.4707T>G on transcript NM_206933.4 (MANE Select); coding-DNA position 4707, T replaced by G.
Protein change: p.Tyr1569Ter; replaces tyrosine 1569 with a stop codon.
Molecular consequence: nonsense.
Genome position (GRCh38, 1-based): chr1:216,097,134, A>C on the plus strand (T>G on the coding strand, the complement: USH2A is on the minus strand). VCF-style: chr1-216097134-A-C. GRCh37 (hg19) VCF-style: chr1-216270476-A-C.
Other names: short protein forms Y1569*.
Identifiers: ClinVar variation 867170 (VCV000867170.9), dbSNP rs2032459600, ClinGen allele CA344861156.

ClinVar aggregate classification (germline): Pathogenic. Review status: criteria provided, multiple submitters, no conflicts (2 of 4 stars). 4 submissions from 4 submitters: Pathogenic (4). Last evaluated 2023-11-04.

Conditions:
USH2A-related disorder. Also called: USH2A-related condition; USH2A-related disorders. Identifiers: MedGen CN239332.
Retinitis pigmentosa 39 (RP39). Identifiers: Orphanet 791, MedGen C3151138, MONDO:0013436, OMIM 613809.

Submissions (4):

Genome-Nilou Lab
Classification: Pathogenic for Retinitis pigmentosa 39. Last evaluated: 2023-11-04. Review status: criteria provided, single submitter. Criteria: ACMG Guidelines, 2015. Collection method: clinical testing. Allele origin: germline. Affected: no.

Baylor Genetics
Classification: Pathogenic for Retinitis pigmentosa 39. Last evaluated: 2023-06-07. Review status: criteria provided, single submitter. Criteria: ACMG Guidelines, 2015. Collection method: clinical testing. Allele origin: unknown.

Labcorp Genetics (formerly Invitae), Labcorp
Classification: Pathogenic. Last evaluated: 2023-05-20. Review status: criteria provided, single submitter. Criteria: Invitae Variant Classification Sherloc (09022015). Collection method: clinical testing. Allele origin: germline.
Comment: Algorithms developed to predict the effect of sequence changes on RNA splicing suggest that this variant may disrupt the consensus splice site. For these reasons, this variant has been classified as Pathogenic. ClinVar contains an entry for this variant (Variation ID: 867170). This sequence change creates a premature translational stop signal (p.Tyr1569*) in the USH2A gene. It is expected to result in an absent or disrupted protein product. Loss-of-function variants in USH2A are known to be pathogenic (PMID: 10729113, 10909849, 20507924, 25649381). This variant is not present in population databases (gnomAD no frequency). This premature translational stop signal has been observed in individual(s) with Usher syndrome (PMID: 25211151).

Blueprint Genetics
Classification: Pathogenic for USH2A-related disorders. Last evaluated: 2018-06-14. Review status: criteria provided, single submitter. Criteria: ACMG Guidelines, 2015. Collection method: clinical testing. Allele origin: germline. Affected: yes. Observed: 1 variant allele.

Literature cited by the submitters: PubMed 10729113 (cited by Labcorp Genetics (formerly Invitae), Labcorp); PubMed 10909849 (cited by Labcorp Genetics (formerly Invitae), Labcorp); PubMed 20507924 (cited by Labcorp Genetics (formerly Invitae), Labcorp); PubMed 25649381 (cited by Labcorp Genetics (formerly Invitae), Labcorp); PubMed 25211151 (cited by Labcorp Genetics (formerly Invitae), Labcorp).